The following is an entry in ClinVar:

NM_000051.4(ATM):c.7560G>A (p.Met2520Ile)

Genes: ATM (ATM serine/threonine kinase; plus strand), C11orf65 (chromosome 11 open reading frame 65; minus strand). Cytogenetic location: 11q22.3.
Variant type: single nucleotide variant.
Coding change: c.7560G>A on transcript NM_000051.4 (MANE Select); coding-DNA position 7560, G replaced by A.
Protein change: p.Met2520Ile; replaces methionine 2520 with isoleucine.
Molecular consequence: missense variant. On other transcripts: non-coding transcript variant (1), intron variant (2).
Genome position (GRCh38, 1-based): chr11:108,331,488, G>A. VCF-style: chr11-108331488-G-A. GRCh37 (hg19) VCF-style: chr11-108202215-G-A.
Other names: c.7560G>A, p.Met2520Ile (NM_001351834.2); c.641-22417C>T (NM_001330368.2); c.*38+3732C>T (NM_001351110.2); short protein forms M2520I.
Identifiers: ClinVar variation 827126 (VCV000827126.16), dbSNP rs1591167543, ClinGen allele CA382560726.

ClinVar aggregate classification (germline): Uncertain significance. Review status: criteria provided, multiple submitters, no conflicts (2 of 4 stars). 3 submissions from 3 submitters: Uncertain significance (3). Last evaluated 2025-02-25.

Conditions:
Hereditary cancer-predisposing syndrome. Also called: Tumor predisposition; Neoplastic Syndromes, Hereditary; Hereditary Cancer Syndrome; Hereditary neoplastic syndrome. Identifiers: Orphanet 140162, MedGen C0027672, MeSH D009386, MONDO:0015356.
Ataxia-telangiectasia syndrome (AT). Also called: ATAXIA-TELANGIECTASIA, COMPLEMENTATION GROUP A; ATAXIA-TELANGIECTASIA, FRESNO VARIANT; Ataxia-telangiectasia; Ataxia-telangiectasia, complementation group D; AT, COMPLEMENTATION GROUP C; Ataxia-telangiectasia, complementation group E. Identifiers: Orphanet 100, MedGen C0004135, MONDO:0008840, OMIM 208900.

Allele frequency attached by ClinVar (database versions not stated): gnomAD exomes 0.00001.
gnomAD v4.1: 6 of 1,613,258 alleles (0.00037%); highest among the groups gnomAD compares: Non-Finnish European, 0.00051%; no homozygotes.

Submissions (3):

Labcorp Genetics (formerly Invitae), Labcorp
Classification: Uncertain significance for Ataxia-telangiectasia syndrome. Last evaluated: 2025-02-25. Review status: criteria provided, single submitter. Criteria: Invitae Variant Classification Sherloc (09022015). Collection method: clinical testing. Allele origin: germline.
Comment: This sequence change replaces methionine, which is neutral and non-polar, with isoleucine, which is neutral and non-polar, at codon 2520 of the ATM protein (p.Met2520Ile). This variant is not present in population databases (gnomAD no frequency). This variant has not been reported in the literature in individuals affected with ATM-related conditions. ClinVar contains an entry for this variant (Variation ID: 827126). Invitae Evidence Modeling of protein sequence and biophysical properties (such as structural, functional, and spatial information, amino acid conservation, physicochemical variation, residue mobility, and thermodynamic stability) indicates that this missense variant is not expected to disrupt ATM protein function with a negative predictive value of 95%. In summary, the available evidence is currently insufficient to determine the role of this variant in disease. Therefore, it has been classified as a Variant of Uncertain Significance.

Ambry Genetics
Classification: Uncertain significance for Hereditary cancer-predisposing syndrome. Last evaluated: 2024-11-12. Review status: criteria provided, single submitter. Criteria: Ambry Variant Classification Scheme 2023. Collection method: clinical testing. Allele origin: germline.
Comment: The p.M2520I variant (also known as c.7560G>A), located in coding exon 50 of the ATM gene, results from a G to A substitution at nucleotide position 7560. The methionine at codon 2520 is replaced by isoleucine, an amino acid with highly similar properties. This amino acid position is highly conserved in available vertebrate species. In addition, the in silico prediction for this alteration is inconclusive. Based on the available evidence, the clinical significance of this variant remains unclear.

Women's Health and Genetics/Laboratory Corporation of America, LabCorp
Classification: Uncertain significance. Last evaluated: 2019-12-27. Review status: criteria provided, single submitter. Criteria: LabCorp Variant Classification Summary - May 2015. Collection method: clinical testing. Allele origin: germline.
Comment: Variant summary: ATM c.7560G>A (p.Met2520Ile) results in a conservative amino acid change located in the PIK-related kinase domain (IPR014009) of the encoded protein sequence. Four of five in-silico tools predict a benign effect of the variant on protein function. The variant was absent in 251280 control chromosomes (gnomAD). The available data on variant occurrences in the general population are insufficient to allow any conclusion about variant significance. To our knowledge, no occurrence of c.7560G>A in individuals affected with Ataxia-Telangiectasia and no experimental evidence demonstrating its impact on protein function have been reported. No clinical diagnostic laboratories have submitted clinical-significance assessments for this variant to ClinVar after 2014. Based on the evidence outlined above, the variant was classified as uncertain significance.